The following is an entry in ClinVar:

ClinVar aggregate classification (germline): Uncertain significance (1 of 4 stars; one submission).

Conditions:
Familial cold autoinflammatory syndrome 3 (FCAS3). Also called: FAMILIAL ATYPICAL COLD URTICARIA; ANTIBODY DEFICIENCY AND IMMUNE DYSREGULATION, PLCG2-ASSOCIATED. Identifiers: Orphanet 300359, MedGen C3280914, MONDO:0013766, OMIM 614468.

gnomAD v4.1: 11 of 1,613,922 alleles (0.00068%); highest among the groups gnomAD compares: East Asian, 0.022%; no homozygotes.

Submission:

Labcorp Genetics (formerly Invitae), Labcorp
Classification: Uncertain significance for Familial cold autoinflammatory syndrome 3. Last evaluated: 2025-04-14. Review status: criteria provided, single submitter. Criteria: Invitae Variant Classification Sherloc (09022015). Collection method: clinical testing. Allele origin: germline.
Comment: This sequence change replaces proline, which is neutral and non-polar, with glutamine, which is neutral and polar, at codon 75 of the PLCG2 protein (p.Pro75Gln). This variant is present in population databases (no rsID available, gnomAD 0.03%). This variant has not been reported in the literature in individuals affected with PLCG2-related conditions. ClinVar contains an entry for this variant (Variation ID: 3683632). An algorithm developed to predict the effect of missense changes on protein structure and function (PolyPhen-2) suggests that this variant is likely to be disruptive. In summary, the available evidence is currently insufficient to determine the role of this variant in disease. Therefore, it has been classified as a Variant of Uncertain Significance.

NM_002661.5(PLCG2):c.224C>A (p.Pro75Gln)

Gene: PLCG2 (phospholipase C gamma 2; plus strand). Cytogenetic location: 16q23.3.
Variant type: single nucleotide variant.
Coding change: c.224C>A on transcript NM_002661.5 (MANE Select); coding-DNA position 224, C replaced by A.
Protein change: p.Pro75Gln; replaces proline 75 with glutamine.
Molecular consequence: missense variant.
Genome position (GRCh38, 1-based): chr16:81,854,474, C>A. VCF-style: chr16-81854474-C-A. GRCh37 (hg19) VCF-style: chr16-81888079-C-A.
Other names: c.224C>A, p.Pro75Gln (NM_001425749.1, NM_001425750.1, NM_001425751.1); short protein forms P75Q.
Identifiers: ClinVar variation 3683632 (VCV003683632.2).